The following is an entry in ClinVar:

ClinVar aggregate classification (germline): Uncertain significance (1 of 4 stars; one submission).

Allele frequency attached by ClinVar (database versions not stated): TOPMed below 0.00001; gnomAD 0.00001.
gnomAD v4.1: 3 of 1,440,932 alleles (0.00021%); highest among the groups gnomAD compares: Admixed American, 0.0029%; no homozygotes.

Submission:

Labcorp Genetics (formerly Invitae), Labcorp
Classification: Uncertain significance. Last evaluated: 2022-02-04. Review status: criteria provided, single submitter. Criteria: Invitae Variant Classification Sherloc (09022015). Collection method: clinical testing. Allele origin: germline.
Comment: In summary, the available evidence is currently insufficient to determine the role of this variant in disease. Therefore, it has been classified as a Variant of Uncertain Significance. Algorithms developed to predict the effect of missense changes on protein structure and function are either unavailable or do not agree on the potential impact of this missense change (SIFT: "Deleterious"; PolyPhen-2: "Benign"; Align-GVGD: "Class C15"). ClinVar contains an entry for this variant (Variation ID: 933602). This variant has not been reported in the literature in individuals affected with SAMD11-related conditions. This variant is not present in population databases (gnomAD no frequency). This sequence change replaces glycine, which is neutral and non-polar, with arginine, which is basic and polar, at codon 403 of the SAMD11 protein (p.Gly403Arg).

NM_001385641.1(SAMD11):c.1696G>C (p.Gly566Arg)

Gene: SAMD11 (sterile alpha motif domain containing 11; plus strand). Cytogenetic location: 1p36.33.
Variant type: single nucleotide variant.
Coding change: c.1696G>C on transcript NM_001385641.1 (MANE Select); coding-DNA position 1696, G replaced by C.
Protein change: p.Gly566Arg; replaces glycine 566 with arginine.
Molecular consequence: missense variant.
Genome position (GRCh38, 1-based): chr1:942,701, G>C. VCF-style: chr1-942701-G-C. GRCh37 (hg19) VCF-style: chr1-878081-G-C.
Other names: c.1699G>C, p.Gly567Arg (NM_001385640.1); c.1207G>C, p.Gly403Arg (NM_152486.4); short protein forms G403R, G566R, G567R.
Identifiers: ClinVar variation 933602 (VCV000933602.9), dbSNP rs1641861633, ClinGen allele CA337809413.